The following is an entry in ClinVar:

ClinVar aggregate classification (germline): Conflicting classifications of pathogenicity. Review status: criteria provided, conflicting classifications (1 of 4 stars). 5 submissions from 5 submitters: Uncertain significance (2); Benign (1); Likely benign (2). Last evaluated 2026-06-24.

Conditions:
TIMP3-related disorder. Also called: TIMP3-related condition.
Sorsby fundus dystrophy (SFD). Also called: Sorsby fundus dystrophy, Lavia type; MACULAR DYSTROPHY, HEMORRHAGIC; FUNDUS DYSTROPHY, PSEUDOINFLAMMATORY, OF SORSBY. Identifiers: Orphanet 59181, MedGen C1850938, MONDO:0007640, OMIM 136900.

Allele frequency attached by ClinVar (database versions not stated): gnomAD 0.00011 and 0.00014; gnomAD exomes 0.00011 and 0.00023; ExAC 0.00015; TOPMed 0.00015; 1000 Genomes Project 30x 0.00016; 1000 Genomes Project 0.00020; ESP Exome Variant Server 0.00023.
gnomAD v4.1: 177 of 1,613,744 alleles (0.011%); highest among the groups gnomAD compares: South Asian, 0.057%; no homozygotes.

Submissions (5):

PreventionGenetics, part of Exact Sciences
Classification: Uncertain significance for TIMP3-related condition. Last evaluated: 2026-06-24. Review status: criteria provided, single submitter. Criteria: ACMG Guidelines, 2015. Collection method: clinical testing. Allele origin: germline.
Comment: The TIMP3 c.587G>A variant is predicted to result in the amino acid substitution p.Arg196Gln. To our knowledge, this variant has not been reported in the literature. This variant is reported in 0.082% of alleles in individuals of South Asian descent in gnomAD, which may be too frequent to be a primary cause of disease. Although we suspect that this variant may be benign, at this time, the clinical significance of this variant is uncertain due to the absence of conclusive functional and genetic evidence.

Labcorp Genetics (formerly Invitae), Labcorp
Classification: Likely benign. Last evaluated: 2025-09-01. Review status: criteria provided, single submitter. Criteria: Invitae Variant Classification Sherloc (09022015). Collection method: clinical testing. Allele origin: germline.

Blueprint Genetics
Classification: Likely benign. Last evaluated: 2024-11-23. Review status: criteria provided, single submitter. Criteria: ACMG Guidelines, 2015. Collection method: clinical testing. Allele origin: germline.

Illumina Laboratory Services, Illumina
Classification: Benign for Sorsby fundus dystrophy. Last evaluated: 2018-01-13. Review status: criteria provided, single submitter. Criteria: ICSL Variant Classification Criteria 13 December 2019. Collection method: clinical testing. Allele origin: germline.
Comment: This variant was observed in the ICSL laboratory as part of a predisposition screen in an ostensibly healthy population. It had not been previously curated by ICSL or reported in the Human Gene Mutation Database (HGMD: prior to June 1st, 2018), and was therefore a candidate for classification through an automated scoring system. Utilizing variant allele frequency, disease prevalence and penetrance estimates, and inheritance mode, an automated score was calculated to assess if this variant is too frequent to cause the disease. Based on the score and internal cut-off values, a variant classified as benign is not then subjected to further curation. The score for this variant resulted in a classification of benign for this disease.

Eurofins Ntd Llc (ga)
Classification: Uncertain significance. Last evaluated: 2017-08-09. Review status: criteria provided, single submitter. Criteria: EGL Classification Definitions 2015. Collection method: clinical testing. Allele origin: germline. Observed: 1 variant allele, 1 heterozygote.

NM_000362.5(TIMP3):c.587G>A (p.Arg196Gln)

Genes: SYN3 (synapsin III; minus strand), TIMP3 (TIMP metallopeptidase inhibitor 3; plus strand). Cytogenetic location: 22q12.3.
Variant type: single nucleotide variant.
Coding change: c.587G>A on transcript NM_000362.5 (MANE Select); coding-DNA position 587, G replaced by A.
Protein change: p.Arg196Gln; replaces arginine 196 with glutamine.
Molecular consequence: missense variant. On other transcripts: intron variant (7).
Genome position (GRCh38, 1-based): chr22:32,859,328, G>A. VCF-style: chr22-32859328-G-A. GRCh37 (hg19) VCF-style: chr22-33255315-G-A.
Other names: c.708+5587C>T (NM_001369909.1, NM_001135774.2, NM_001369910.1); c.711+5587C>T (NM_001369907.1, NM_003490.4, NM_001369908.1 and 1 more transcripts); short protein forms R196Q.
Identifiers: ClinVar variation 341348 (VCV000341348.20), dbSNP rs142288050, ClinGen allele CA10202289.